The following is an entry in ClinVar:

NM_001127222.2(CACNA1A):c.5915A>C (p.Lys1972Thr)

Gene: CACNA1A (calcium voltage-gated channel subunit alpha1 A; minus strand). Cytogenetic location: 19p13.13.
Variant type: single nucleotide variant.
Coding change: c.5915A>C on transcript NM_001127222.2 (MANE Select); coding-DNA position 5915, A replaced by C.
Protein change: p.Lys1972Thr; replaces lysine 1972 with threonine.
Molecular consequence: missense variant.
Genome position (GRCh38, 1-based): chr19:13,214,258, T>G on the plus strand (A>C on the coding strand, the complement: CACNA1A is on the minus strand). VCF-style: chr19-13214258-T-G. GRCh37 (hg19) VCF-style: chr19-13325072-T-G.
Other names: c.5933A>C, p.Lys1978Thr (NM_000068.4, NM_023035.3); c.5918A>C, p.Lys1973Thr (NM_001127221.2); c.5924A>C, p.Lys1975Thr (NM_001174080.2); short protein forms K1972T, K1973T, K1975T, K1978T.
Identifiers: ClinVar variation 3369382 (VCV003369382.1).
Genomic context (GRCh38, chr19:13,214,258, plus strand): 5'-CAGCCCAGATGTCCCCAGAGCGGCGAACAGCGCACCTGCTCCTCGCGCATGGCCTGCAGC[T>G]TCTTGGCCTTGCTCTGCCGGTAGTACTCCATGATCATCATGGCTGCGTAGATCTTCCCCA-3'
Protein context (NP_001120694.1, residues 1962-1982): MEYYRQSKAK[Lys1972Thr]LQAMREEQDR

ClinVar aggregate classification (germline): Uncertain significance (1 of 4 stars; one submission).

Submission:

GeneDx
Classification: Uncertain significance. Last evaluated: 2024-02-29. Review status: criteria provided, single submitter. Criteria: GeneDx Variant Classification Process June 2021. Collection method: clinical testing. Allele origin: germline. Affected: yes.
Comment: Not observed at significant frequency in large population cohorts (gnomAD); In silico analysis supports that this missense variant has a deleterious effect on protein structure/function; Has not been previously published as pathogenic or benign to our knowledge